The following is an entry in ClinVar:

NM_006915.3(RP2):c.844C>T (p.Arg282Trp)

Gene: RP2 (RP2 activator of ARL3 GTPase; plus strand). Cytogenetic location: Xp11.3.
Variant type: single nucleotide variant.
Coding change: c.844C>T on transcript NM_006915.3 (MANE Select); coding-DNA position 844, C replaced by T.
Protein change: p.Arg282Trp; replaces arginine 282 with tryptophan.
Molecular consequence: missense variant.
Genome position (GRCh38, 1-based): chrX:46,860,063, C>T. VCF-style: chrX-46860063-C-T. GRCh37 (hg19) VCF-style: chrX-46719498-C-T.
Other names: short protein forms R282W.
Identifiers: ClinVar variation 196444 (VCV000196444.31), dbSNP rs1805147, ClinGen allele CA202379.

ClinVar aggregate classification (germline): Benign/Likely benign. Review status: criteria provided, multiple submitters, no conflicts (2 of 4 stars). 10 submissions from 10 submitters: Benign (7); Likely benign (3). Last evaluated 2026-02-02.

Conditions:
Retinitis pigmentosa (RP). Identifiers: Orphanet 791, MedGen C0035334, MeSH D012174, MONDO:0019200, OMIM 268000. Inheritance: Autosomal dominant, autosomal recessive and X linked inheritance.
Retinitis pigmentosa 2 (RP2). Also called: Retinitis pigmentosa 2, X linked. Identifiers: Orphanet 791, MedGen C2681923, MONDO:0010723, OMIM 312600.

Allele frequency attached by ClinVar (database versions not stated): 1000 Genomes Project 0.00662; 1000 Genomes Project 30x 0.00708; TOPMed 0.01758; gnomAD exomes 0.01825; ExAC 0.01910; gnomAD 0.01917 and 0.01957; ESP Exome Variant Server 0.02225.

Submissions (10):

Labcorp Genetics (formerly Invitae), Labcorp
Classification: Benign. Last evaluated: 2026-02-02. Review status: criteria provided, single submitter. Criteria: Invitae Variant Classification Sherloc (09022015). Collection method: clinical testing. Allele origin: germline.

Blueprint Genetics
Classification: Likely benign. Last evaluated: 2024-11-27. Review status: criteria provided, single submitter. Criteria: ACMG Guidelines, 2015. Collection method: clinical testing. Allele origin: germline.

ARUP Laboratories, Molecular Genetics and Genomics, ARUP Laboratories
Classification: Benign for Retinitis pigmentosa 2. Last evaluated: 2023-11-08. Review status: criteria provided, single submitter. Criteria: ARUP Molecular Germline Variant Investigation Process 2024. Collection method: clinical testing. Allele origin: germline.

Women's Health and Genetics/Laboratory Corporation of America, LabCorp
Classification: Benign. Last evaluated: 2022-03-08. Review status: criteria provided, single submitter. Criteria: LabCorp Variant Classification Summary - May 2015. Collection method: clinical testing. Allele origin: germline.
Comment: Variant summary: RP2 c.844C>T (p.Arg282Trp) results in a non-conservative amino acid change in the encoded protein sequence. Three of five in-silico tools predict a benign effect of the variant on protein function. The variant allele was found at a frequency of 0.018 in 182850 control chromosomes, predominantly at a frequency of 0.03 within the Non-Finnish European subpopulation in the gnomAD database, including 25 homozygotes. The observed variant frequency within Non-Finnish European control individuals in the gnomAD database is approximately 13.86 fold of the estimated maximal expected allele frequency for a pathogenic variant in RP2 causing Retinitis Pigmentosa, X-Linked phenotype (0.0022), strongly suggesting that the variant is a benign polymorphism found primarily in populations of Non-Finnish European origin. Five clinical diagnostic laboratories have submitted clinical-significance assessments for this variant to ClinVar after 2014 without evidence for independent evaluation. All laboratories classified the variant as benign/likely benign. Based on the evidence outlined above, the variant was classified as benign.

GeneDx
Classification: Benign. Last evaluated: 2018-12-17. Review status: criteria provided, single submitter. Criteria: GeneDx Variant Classification Process June 2021. Collection method: clinical testing. Allele origin: germline. Affected: yes.
Comment: This variant is associated with the following publications: (PMID: 24265693, 11462235, 22995991, 25097241, 21738648, 27884173, 27535533, 10937588, 22334370, 11992260, 10862093)

Illumina Laboratory Services, Illumina
Classification: Benign for Retinitis pigmentosa. Last evaluated: 2018-03-06. Review status: criteria provided, single submitter. Criteria: ICSL Variant Classification Criteria 13 December 2019. Collection method: clinical testing. Allele origin: germline.
Comment: This variant was observed in the ICSL laboratory as part of a predisposition screen in an ostensibly healthy population. It had not been previously curated by ICSL or reported in the Human Gene Mutation Database (HGMD: prior to June 1st, 2018), and was therefore a candidate for classification through an automated scoring system. Utilizing variant allele frequency, disease prevalence and penetrance estimates, and inheritance mode, an automated score was calculated to assess if this variant is too frequent to cause the disease. Based on the score and internal cut-off values, a variant classified as benign is not then subjected to further curation. The score for this variant resulted in a classification of benign for this disease.

Laboratory for Molecular Medicine, Mass General Brigham Personalized Medicine
Classification: Likely benign. Last evaluated: 2016-03-29. Review status: criteria provided, single submitter. Criteria: LMM Criteria. Collection method: clinical testing. Allele origin: germline.
Comment: Variant identified in a genome or exome case(s) and assessed due to predicted null impact of the variant or pathogenic assertions in the literature or databases. Disclaimer: This variant has not undergone full assessment. The following are preliminary notes: Frequency in ESP (all): 235/10563=2.23%

Eurofins Ntd Llc (ga)
Classification: Benign. Last evaluated: 2014-10-23. Review status: criteria provided, single submitter. Criteria: EGL Classification Definitions 2015. Collection method: clinical testing. Allele origin: germline. Observed: 1 variant allele, 1 hemizygote.

Breakthrough Genomics
Classification: Likely benign. Review status: criteria provided, single submitter. Criteria: ACMG Guidelines, 2015. Collection method: not provided. Allele origin: germline. Inheritance: X-linked inheritance. Affected: yes.

Broad Center for Mendelian Genomics, Broad Institute of MIT and Harvard
Classification: Benign for Retinitis pigmentosa 2. Review status: criteria provided, single submitter. Criteria: ACMG Guidelines, 2015. Collection method: research. Allele origin: germline. Inheritance: X-linked inheritance. Affected: yes.
Comment: In summary, this variant meets criteria to be classified as benign for X-linked recessive retinitis pigmentosa.

Literature cited by the submitters: PubMed 10862093 (cited by Eurofins Ntd Llc (ga)); PubMed 10937588 (cited by Eurofins Ntd Llc (ga)); PubMed 11992260 (cited by Eurofins Ntd Llc (ga)); PubMed 22334370 (cited by Eurofins Ntd Llc (ga)).